The following is an entry in ClinVar:

NM_001851.6(COL9A1):c.2302A>G (p.Arg768Gly)

Gene: COL9A1 (collagen type IX alpha 1 chain; minus strand). Cytogenetic location: 6q13.
Variant type: single nucleotide variant.
Coding change: c.2302A>G on transcript NM_001851.6 (MANE Select); coding-DNA position 2302, A replaced by G.
Protein change: p.Arg768Gly; replaces arginine 768 with glycine.
Molecular consequence: missense variant. On other transcripts: non-coding transcript variant (1).
Genome position (GRCh38, 1-based): chr6:70,234,551, T>C on the plus strand (A>G on the coding strand, the complement: COL9A1 is on the minus strand). VCF-style: chr6-70234551-T-C. GRCh37 (hg19) VCF-style: chr6-70944254-T-C.
Other names: c.2302A>G (NM_001851.4); c.1603A>G, p.Arg535Gly (NM_001377289.1); c.1426A>G, p.Arg476Gly (NM_001377290.1); c.1573A>G, p.Arg525Gly (NM_078485.4); short protein forms R768G, R476G, R535G, R525G.
Identifiers: ClinVar variation 1449945 (VCV001449945.7), dbSNP rs1191443057, ClinGen allele CA364672795.

ClinVar aggregate classification (germline): Uncertain significance. Review status: criteria provided, multiple submitters, no conflicts (2 of 4 stars). 2 submissions from 2 submitters: Uncertain significance (2). Last evaluated 2023-04-05.

Conditions:
Inborn genetic diseases. Identifiers: MedGen C0950123, MeSH D030342.

Allele frequency attached by ClinVar (database versions not stated): gnomAD exomes below 0.00001.
gnomAD v4.1: 1 of 1,614,230 alleles (0.000062%); highest among the groups gnomAD compares: Admixed American, 0.0017%; no homozygotes.

Submissions (2):

Ambry Genetics
Classification: Uncertain significance for Inborn genetic diseases. Last evaluated: 2023-04-05. Review status: criteria provided, single submitter. Criteria: Ambry Variant Classification Scheme 2023. Collection method: clinical testing. Allele origin: germline.

Labcorp Genetics (formerly Invitae), Labcorp
Classification: Uncertain significance. Last evaluated: 2021-09-24. Review status: criteria provided, single submitter. Criteria: Invitae Variant Classification Sherloc (09022015). Collection method: clinical testing. Allele origin: germline.
Comment: This variant has not been reported in the literature in individuals affected with COL9A1-related conditions. This variant is not present in population databases (ExAC no frequency). Advanced modeling of protein sequence and biophysical properties (such as structural, functional, and spatial information, amino acid conservation, physicochemical variation, residue mobility, and thermodynamic stability) performed at Invitae indicates that this missense variant is not expected to disrupt COL9A1 protein function. In summary, the available evidence is currently insufficient to determine the role of this variant in disease. Therefore, it has been classified as a Variant of Uncertain Significance. This sequence change replaces arginine with glycine at codon 768 of the COL9A1 protein (p.Arg768Gly). The arginine residue is highly conserved and there is a moderate physicochemical difference between arginine and glycine.